The following is an entry in ClinVar:

NM_000321.3(RB1):c.2291T>G (p.Leu764Arg)

Gene: RB1 (RB transcriptional corepressor 1; plus strand). Cytogenetic location: 13q14.2.
Variant type: single nucleotide variant.
Coding change: c.2291T>G on transcript NM_000321.3 (MANE Select); coding-DNA position 2291, T replaced by G.
Protein change: p.Leu764Arg; replaces leucine 764 with arginine.
Molecular consequence: missense variant.
Genome position (GRCh38, 1-based): chr13:48,465,077, T>G. VCF-style: chr13-48465077-T-G. GRCh37 (hg19) VCF-style: chr13-49039213-T-G.
Other names: c.2291T>G, p.Leu764Arg (NM_001407165.1); short protein forms L764R.
Identifiers: ClinVar variation 3231216 (VCV003231216.2), dbSNP rs2138344920, ClinGen allele CA388167661.

ClinVar aggregate classification (germline): Uncertain significance (1 of 4 stars; one submission).

Conditions:
Hereditary cancer-predisposing syndrome. Also called: Neoplastic Syndromes, Hereditary; Tumor predisposition; Hereditary Cancer Syndrome; Hereditary neoplastic syndrome. Identifiers: Orphanet 140162, MedGen C0027672, MeSH D009386, MONDO:0015356.

Submission:

Ambry Genetics
Classification: Uncertain significance for Hereditary cancer-predisposing syndrome. Last evaluated: 2026-09-11. Review status: criteria provided, single submitter. Criteria: Ambry Variant Classification Scheme 2023. Collection method: clinical testing. Allele origin: germline.
Comment: The p.L764R variant (also known as c.2291T>G), located in coding exon 22 of the RB1 gene, results from a T to G substitution at nucleotide position 2291. The leucine at codon 764 is replaced by arginine, an amino acid with dissimilar properties. This amino acid position is highly conserved in available vertebrate species. In addition, this alteration is predicted to be deleterious by in silico analysis. Based on the available evidence, the clinical significance of this variant remains unclear.